The following is an entry in ClinVar:

ClinVar aggregate classification (germline): Conflicting classifications of pathogenicity. Review status: criteria provided, conflicting classifications (1 of 4 stars). 7 submissions from 6 submitters: Uncertain significance (3); Benign (1); Likely benign (3). Last evaluated 2026-02-03.

Conditions:
Hereditary cancer-predisposing syndrome. Also called: Neoplastic Syndromes, Hereditary; Hereditary neoplastic syndrome; Tumor predisposition; Hereditary Cancer Syndrome. Identifiers: Orphanet 140162, MedGen C0027672, MeSH D009386, MONDO:0015356.
Isolated focal cortical dysplasia type II (FCORD2). Also called: CORTICAL DYSPLASIA OF TAYLOR; Focal cortical dysplasia type II. Identifiers: Orphanet 268994, MedGen C1846385, MONDO:0011818, OMIM 607341, HP:0032051.
Tuberous sclerosis 1 (TSC1). Identifiers: Orphanet 805, MedGen C1854465, MONDO:0008612, OMIM 191100.
Lymphangiomyomatosis (LAM). Also called: Lymphangioleiomyomatosis; Lymphangioleiomyomatosis, somatic. Identifiers: Orphanet 538, MedGen C0751674, MONDO:0011705, OMIM 606690.

Allele frequency attached by ClinVar (database versions not stated): gnomAD exomes below 0.00001 and 0.00001; gnomAD 0.00001 and 0.00002; ExAC 0.00002.
gnomAD v4.1: 4 of 1,329,090 alleles (0.0003%); highest among the groups gnomAD compares: East Asian, 0.011%; no homozygotes.

Submissions (7):

Labcorp Genetics (formerly Invitae), Labcorp
Classification: Likely benign for Tuberous sclerosis 1. Last evaluated: 2026-02-03. Review status: criteria provided, single submitter. Criteria: Invitae Variant Classification Sherloc (09022015). Collection method: clinical testing. Allele origin: germline.

Ambry Genetics
Classification: Uncertain significance for Hereditary cancer-predisposing syndrome. Last evaluated: 2025-08-08. Review status: criteria provided, single submitter. Criteria: Ambry Variant Classification Scheme 2023. Collection method: clinical testing. Allele origin: germline.
Comment: The p.M879T variant (also known as c.2636T>C), located in coding exon 19 of the TSC1 gene, results from a T to C substitution at nucleotide position 2636. The methionine at codon 879 is replaced by threonine, an amino acid with similar properties. This amino acid position is well conserved in available vertebrate species. In addition, the in silico prediction for this alteration is inconclusive. Since supporting evidence is limited at this time, the clinical significance of this alteration remains unclear.

Fulgent Genetics
Classification: Uncertain significance for Tuberous sclerosis 1; Lymphangiomyomatosis; Isolated focal cortical dysplasia type II. Last evaluated: 2024-03-04. Review status: criteria provided, single submitter. Criteria: ACMG Guidelines, 2015. Collection method: clinical testing. Allele origin: germline.

Sema4
Classification: Uncertain significance for Hereditary cancer-predisposing syndrome. Last evaluated: 2022-02-02. Review status: criteria provided, single submitter. Criteria: Sema4 Curation Guidelines. Collection method: curation. Allele origin: germline.
Comment: The TSC1 c.2636T>C (p.M879T) variant has been reported in heterozygosity in at least one individual with lymphangioleiomyomatosis and at least one individual with clinically suspected tuberous sclerosis complex (PMID: 31856217, 32917966). This variant was observed in 3/16648 chromosomes in the East Asian subpopulation according to the Genome Aggregation Database (PMID: 32461654). The variant has been reported in ClinVar (Variation ID: 660283). Functional studies have not been performed, and in silico predictions of the variant's effect on protein function are inconclusive. The evidence is insufficient to meet ACMG/AMP criteria for classifying the variant as benign or pathogenic. Thus, the clinical significance of this variant is currently uncertain.

Genome-Nilou Lab
Classification: Likely benign for Tuberous sclerosis 1. Last evaluated: 2021-11-07. Review status: criteria provided, single submitter. Criteria: ACMG Guidelines, 2015. Collection method: clinical testing. Allele origin: germline. Affected: no.

Illumina Laboratory Services, Illumina
Classification: Likely benign for Tuberous sclerosis 1. Last evaluated: 2018-01-13. Review status: criteria provided, single submitter. Criteria: ICSL Variant Classification Criteria 13 December 2019. Collection method: clinical testing. Allele origin: germline.
Comment: This variant was observed in the ICSL laboratory as part of a predisposition screen in an ostensibly healthy population. It had not been previously curated by ICSL or reported in the Human Gene Mutation Database (HGMD: prior to June 1st, 2018), and was therefore a candidate for classification through an automated scoring system. Utilizing variant allele frequency, disease prevalence and penetrance estimates, and inheritance mode, an automated score was calculated to assess if this variant is too frequent to cause the disease. Based on the score and internal cut-off values, a variant classified as likely benign is not then subjected to further curation. The score for this variant resulted in a classification of likely benign for this disease.

Illumina Laboratory Services, Illumina
Classification: Benign for Isolated focal cortical dysplasia type II. Last evaluated: 2018-01-13. Review status: criteria provided, single submitter. Criteria: ICSL Variant Classification Criteria 13 December 2019. Collection method: clinical testing. Allele origin: germline.
Comment: This variant was observed in the ICSL laboratory as part of a predisposition screen in an ostensibly healthy population. It had not been previously curated by ICSL or reported in the Human Gene Mutation Database (HGMD: prior to June 1st, 2018), and was therefore a candidate for classification through an automated scoring system. Utilizing variant allele frequency, disease prevalence and penetrance estimates, and inheritance mode, an automated score was calculated to assess if this variant is too frequent to cause the disease. Based on the score and internal cut-off values, a variant classified as benign is not then subjected to further curation. The score for this variant resulted in a classification of benign for this disease.

Literature cited by the submitters: PubMed 31856217 (cited by Ambry Genetics and Sema4); PubMed 32917966 (cited by Sema4).

NM_000368.5(TSC1):c.2636T>C (p.Met879Thr)

Gene: TSC1 (TSC complex subunit 1; minus strand). Cytogenetic location: 9q34.13.
Variant type: single nucleotide variant.
Coding change: c.2636T>C on transcript NM_000368.5 (MANE Select); coding-DNA position 2636, T replaced by C.
Protein change: p.Met879Thr; replaces methionine 879 with threonine.
Molecular consequence: missense variant.
Genome position (GRCh38, 1-based): chr9:132,897,600, A>G on the plus strand (T>C on the coding strand, the complement: TSC1 is on the minus strand). VCF-style: chr9-132897600-A-G. GRCh37 (hg19) VCF-style: chr9-135772987-A-G.
Other names: c.2633T>C, p.Met878Thr (NM_001162426.2); c.2483T>C, p.Met828Thr (NM_001162427.2); c.2273T>C, p.Met758Thr (NM_001362177.2); short protein forms M828T, M758T, M878T, M879T.
Identifiers: ClinVar variation 660283 (VCV000660283.20), dbSNP rs754457018, ClinGen allele CA034047.